The following is an entry in ClinVar:

NM_206933.4(USH2A):c.3977T>C (p.Ile1326Thr)

Genes: USH2A (usherin; minus strand), USH2A-AS1 (USH2A antisense RNA 1; plus strand). Cytogenetic location: 1q41.
Variant type: single nucleotide variant.
Coding change: c.3977T>C on transcript NM_206933.4 (MANE Select); coding-DNA position 3977, T replaced by C.
Protein change: p.Ile1326Thr; replaces isoleucine 1326 with threonine.
Molecular consequence: missense variant.
Genome position (GRCh38, 1-based): chr1:216,198,419, A>G on the plus strand (T>C on the coding strand, the complement: USH2A is on the minus strand). VCF-style: chr1-216198419-A-G. GRCh37 (hg19) VCF-style: chr1-216371761-A-G.
Other names: c.3977T>C, p.Ile1326Thr (NM_007123.6); short protein forms I1326T.
Identifiers: ClinVar variation 1054660 (VCV001054660.9), dbSNP rs1439905146, ClinGen allele CA344867063.

ClinVar aggregate classification (germline): Uncertain significance (1 of 4 stars; one submission).

Allele frequency attached by ClinVar (database versions not stated): gnomAD exomes below 0.00001 and 0.00001.
gnomAD v4.1: 2 of 1,614,010 alleles (0.00012%); highest among the groups gnomAD compares: Non-Finnish European, 0.000085%; no homozygotes.

Submission:

Labcorp Genetics (formerly Invitae), Labcorp
Classification: Uncertain significance. Last evaluated: 2023-07-17. Review status: criteria provided, single submitter. Criteria: Invitae Variant Classification Sherloc (09022015). Collection method: clinical testing. Allele origin: germline.
Comment: In summary, the available evidence is currently insufficient to determine the role of this variant in disease. Therefore, it has been classified as a Variant of Uncertain Significance. This sequence change replaces isoleucine, which is neutral and non-polar, with threonine, which is neutral and polar, at codon 1326 of the USH2A protein (p.Ile1326Thr). Advanced modeling of protein sequence and biophysical properties (such as structural, functional, and spatial information, amino acid conservation, physicochemical variation, residue mobility, and thermodynamic stability) performed at Invitae indicates that this missense variant is not expected to disrupt USH2A protein function. ClinVar contains an entry for this variant (Variation ID: 1054660). This variant has not been reported in the literature in individuals affected with USH2A-related conditions. This variant is present in population databases (no rsID available, gnomAD 0.002%).